The following is an entry in ClinVar:

NM_000093.5(COL5A1):c.1943C>G (p.Pro648Arg)

Gene: COL5A1 (collagen type V alpha 1 chain; plus strand). Cytogenetic location: 9q34.3.
Variant type: single nucleotide variant.
Coding change: c.1943C>G on transcript NM_000093.5 (MANE Select); coding-DNA position 1943, C replaced by G.
Protein change: p.Pro648Arg; replaces proline 648 with arginine.
Molecular consequence: missense variant.
Genome position (GRCh38, 1-based): chr9:134,761,932, C>G. VCF-style: chr9-134761932-C-G. GRCh37 (hg19) VCF-style: chr9-137653778-C-G.
Other names: c.1943C>G, p.Pro648Arg (NM_001278074.1); c.1943C>G (NM_000093.3); short protein forms P648R.
Identifiers: ClinVar variation 1018371 (VCV001018371.13), dbSNP rs143211526, ClinGen allele CA5319068.

ClinVar aggregate classification (germline): Conflicting classifications of pathogenicity. Review status: criteria provided, conflicting classifications (1 of 4 stars). 4 submissions from 4 submitters: Uncertain significance (3); Benign (1). Last evaluated 2025-12-02.

Conditions:
Ehlers-Danlos syndrome, classic type, 1 (EDSCL1). Also called: EHLERS-DANLOS SYNDROME, GRAVIS TYPE; EHLERS-DANLOS SYNDROME, SEVERE CLASSIC TYPE; EDS I; Ehlers-Danlos Syndrome, Classic Type, COL5A1-Related; Ehlers-Danlos syndrome, type 1. Identifiers: MedGen C0268335, MONDO:0019567, OMIM 130000.
Familial thoracic aortic aneurysm and aortic dissection (TAAD). Also called: Thoracic aortic aneurysms and dissections. Identifiers: Orphanet 91387, MedGen C4707243, MONDO:0019625.

Allele frequency attached by ClinVar (database versions not stated): gnomAD exomes 0.00002; ESP Exome Variant Server 0.00008; TOPMed below 0.00001; ExAC 0.00002; gnomAD 0.00001.
gnomAD v4.1: 33 of 1,613,432 alleles (0.002%); highest among the groups gnomAD compares: Middle Eastern, 0.066%; no homozygotes.

Submissions (4):

Women's Health and Genetics/Laboratory Corporation of America, LabCorp
Classification: Uncertain significance. Last evaluated: 2025-12-02. Review status: criteria provided, single submitter. Criteria: LabCorp Variant Classification Summary - May 2015. Collection method: clinical testing. Allele origin: germline.

ARUP Laboratories, Molecular Genetics and Genomics, ARUP Laboratories
Classification: Uncertain significance. Last evaluated: 2025-05-05. Review status: criteria provided, single submitter. Criteria: ARUP Molecular Germline Variant Investigation Process 2024. Collection method: clinical testing. Allele origin: germline.
Comment: The COL5A1 c.1943C>G; p.Pro648Arg variant (rs143211526), to our knowledge, is not reported in the medical literature but is reported in ClinVar (Variation ID: 1018371). This variant is found in the non-Finnish European population with an allele frequency of 0.005% (6/128,656 alleles) in the Genome Aggregation Database (v2.1.1). Computational analyses are uncertain whether this variant is neutral or deleterious (REVEL: 0.537). Due to limited information, the clinical significance of this variant is uncertain at this time.

Ambry Genetics
Classification: Uncertain significance for Familial thoracic aortic aneurysm and aortic dissection. Last evaluated: 2025-04-22. Review status: criteria provided, single submitter. Criteria: Ambry Variant Classification Scheme 2023. Collection method: clinical testing. Allele origin: germline.
Comment: The p.P648R variant (also known as c.1943C>G), located in coding exon 19 of the COL5A1 gene, results from a C to G substitution at nucleotide position 1943. The proline at codon 648 is replaced by arginine, an amino acid with dissimilar properties. This amino acid position is highly conserved in available vertebrate species. In addition, the in silico prediction for this alteration is inconclusive. Based on the available evidence, the clinical significance of this variant remains unclear.

Labcorp Genetics (formerly Invitae), Labcorp
Classification: Benign for Ehlers-Danlos syndrome, classic type, 1. Last evaluated: 2024-06-22. Review status: criteria provided, single submitter. Criteria: Invitae Variant Classification Sherloc (09022015). Collection method: clinical testing. Allele origin: germline.